The following is an entry in ClinVar:

ClinVar aggregate classification (germline): Uncertain significance (1 of 4 stars; one submission).

gnomAD v4.1: 1 of 1,612,810 alleles (0.000062%); highest among the groups gnomAD compares: Non-Finnish European, 0.000085%; no homozygotes.

Submission:

Labcorp Genetics (formerly Invitae), Labcorp
Classification: Uncertain significance. Last evaluated: 2023-03-04. Review status: criteria provided, single submitter. Criteria: Invitae Variant Classification Sherloc (09022015). Collection method: clinical testing. Allele origin: germline.
Comment: In summary, the available evidence is currently insufficient to determine the role of this variant in disease. Therefore, it has been classified as a Variant of Uncertain Significance. Algorithms developed to predict the effect of sequence changes on RNA splicing suggest that this variant may disrupt the consensus splice site. ClinVar contains an entry for this variant (Variation ID: 2004604). This variant has not been reported in the literature in individuals affected with CFB-related conditions. This variant is not present in population databases (gnomAD no frequency). This sequence change affects a donor splice site in intron 14 of the CFB gene. It is expected to disrupt RNA splicing. Variants that disrupt the donor or acceptor splice site typically lead to a loss of protein function (PMID: 16199547), however the current clinical and genetic evidence is not sufficient to establish whether loss-of-function variants in CFB cause disease.

Literature cited by the submitters: PubMed 16199547.

NM_001710.6(CFB):c.1855+2T>A

Gene: CFB (complement factor B; plus strand). Cytogenetic location: 6p21.33.
Variant type: single nucleotide variant.
Coding change: c.1855+2T>A on transcript NM_001710.6 (MANE Select); the canonical splice donor site of the intron after coding-DNA position 1855, T replaced by A.
Molecular consequence: splice donor variant.
Genome position (GRCh38, 1-based): chr6:31,950,946, T>A. VCF-style: chr6-31950946-T-A. GRCh37 (hg19) VCF-style: chr6-31918723-T-A.
Identifiers: ClinVar variation 2004604 (VCV002004604.4), dbSNP rs1771724303, ClinGen allele CA363410324.